The following is an entry in ClinVar:

ClinVar aggregate classification (germline): Pathogenic (1 of 4 stars; one submission).

Allele frequency attached by ClinVar (database versions not stated): gnomAD exomes 0.00002.

Submission:

Labcorp Genetics (formerly Invitae), Labcorp
Classification: Pathogenic. Last evaluated: 2024-02-02. Review status: criteria provided, single submitter. Criteria: Invitae Variant Classification Sherloc (09022015). Collection method: clinical testing. Allele origin: germline.
Comment: This sequence change creates a premature translational stop signal (p.Gln145*) in the AAAS gene. It is expected to result in an absent or disrupted protein product. Loss-of-function variants in AAAS are known to be pathogenic (PMID: 11159947). This variant is not present in population databases (gnomAD no frequency). This premature translational stop signal has been observed in individual(s) with achalasia-addisonianism-alacrimia syndrome (PMID: 12548737). For these reasons, this variant has been classified as Pathogenic.

Literature cited by the submitters: PubMed 11159947; PubMed 12548737.

NM_015665.6(AAAS):c.433C>T (p.Gln145Ter)

Gene: AAAS (aladin WD repeat nucleoporin; minus strand). Cytogenetic location: 12q13.13.
Variant type: single nucleotide variant.
Coding change: c.433C>T on transcript NM_015665.6 (MANE Select); coding-DNA position 433, C replaced by T.
Protein change: p.Gln145Ter; replaces glutamine 145 with a stop codon.
Molecular consequence: nonsense.
Genome position (GRCh38, 1-based): chr12:53,315,107, G>A on the plus strand (C>T on the coding strand, the complement: AAAS is on the minus strand). VCF-style: chr12-53315107-G-A. GRCh37 (hg19) VCF-style: chr12-53708891-G-A.
Other names: c.433C>T, p.Gln145Ter (NM_001173466.2); short protein forms Q145*.
Identifiers: ClinVar variation 2735894 (VCV002735894.4), dbSNP rs1944441987, ClinGen allele CA385043946.